The following is an entry in ClinVar:

ClinVar aggregate classification (germline): Uncertain significance (1 of 4 stars; one submission).

Conditions:
Brugada syndrome. Also called: Sudden unexpected nocturnal death syndrome; Sudden unexplained nocturnal death syndrome; Sudden Unexplained Death Syndrome; Sudden Unexplained Nocturnal Death Syndrome (SUNDS). Identifiers: Orphanet 130, MedGen C1142166, MONDO:0015263.

Allele frequency attached by ClinVar (database versions not stated): gnomAD 0.00001.
gnomAD v4.1: 4 of 1,491,816 alleles (0.00027%); highest among the groups gnomAD compares: African/African-American, 0.0055%; no homozygotes.

Submission:

Labcorp Genetics (formerly Invitae), Labcorp
Classification: Uncertain significance for Brugada syndrome. Last evaluated: 2023-10-06. Review status: criteria provided, single submitter. Criteria: Invitae Variant Classification Sherloc (09022015). Collection method: clinical testing. Allele origin: germline.
Comment: This sequence change falls in intron 13 of the CACNA2D1 gene. It does not directly change the encoded amino acid sequence of the CACNA2D1 protein. It affects a nucleotide within the consensus splice site. This variant is present in population databases (no rsID available, gnomAD 0.01%). This variant has not been reported in the literature in individuals affected with CACNA2D1-related conditions. Variants that disrupt the consensus splice site are a relatively common cause of aberrant splicing (PMID: 17576681, 9536098). Algorithms developed to predict the effect of sequence changes on RNA splicing suggest that this variant is not likely to affect RNA splicing. In summary, the available evidence is currently insufficient to determine the role of this variant in disease. Therefore, it has been classified as a Variant of Uncertain Significance.

Literature cited by the submitters: PubMed 17576681; PubMed 9536098.

NM_000722.4(CACNA2D1):c.1222+6A>C

Genes: CACNA2D1 (calcium voltage-gated channel auxiliary subunit alpha2delta 1; minus strand), CACNA2D1-AS1 (CACNA2D1 antisense RNA 1; plus strand). Cytogenetic location: 7q21.11.
Variant type: single nucleotide variant.
Coding change: c.1222+6A>C on transcript NM_000722.4 (MANE Select); 6 bases into the intron after coding-DNA position 1222, A replaced by C.
Molecular consequence: intron variant.
Genome position (GRCh38, 1-based): chr7:82,014,395, T>G on the plus strand (A>C on the coding strand, the complement: CACNA2D1 is on the minus strand). VCF-style: chr7-82014395-T-G. GRCh37 (hg19) VCF-style: chr7-81643711-T-G.
Other names: c.1222+6A>C (NM_001366867.1).
Identifiers: ClinVar variation 2794097 (VCV002794097.3), dbSNP rs1302414558, ClinGen allele CA575812375.